The following is an entry in ClinVar:

NM_000059.4(BRCA2):c.2663dup (p.Asn888fs)

Gene: BRCA2 (BRCA2 DNA repair associated; plus strand). Cytogenetic location: 13q13.1.
Variant type: Duplication.
Coding change: c.2663dup on transcript NM_000059.4 (MANE Select); coding-DNA position 2663, one base duplicated (A; older notation c.2663dupA).
Protein change: p.Asn888fs; shifts the reading frame from asparagine 888.
Molecular consequence: frameshift variant. On other transcripts: non-coding transcript variant (1), intron variant (2).
Genome position (GRCh38, 1-based): chr13:32,337,018, A duplicated; the last of 2 consecutive A bases (chr13:32,337,017-32,337,018); duplicating either gives the same sequence. VCF-style (leftmost placement, unchanged base first): chr13-32337016-G-GA. GRCh37 (hg19) VCF-style: chr13-32911153-G-GA.
Other names: c.2663dup, p.Asn888fs (NM_001406719.1, NM_001406720.1, NM_001432077.1); c.1909+3631dup (NM_001406721.1); c.424+5988dup (NM_001406722.1); c.2663dupA (NM_000059.4); short protein forms N888fs.
Identifiers: ClinVar variation 3764773 (VCV003764773.1).

ClinVar aggregate classification (germline): Likely pathogenic (1 of 4 stars; one submission).

Conditions:
Hereditary breast ovarian cancer syndrome. Also called: Hereditary breast and/or ovarian cancer syndrome; Hereditary breast and ovarian cancer; BRCA1- and BRCA2-Associated Hereditary Breast and Ovarian Cancer; Hereditary breast and ovarian cancer syndrome; Hereditary breast and ovarian cancer syndrome (HBOC); Breast and ovarian cancer. Identifiers: Orphanet 145, MedGen C0677776, MeSH D061325, MONDO:0003582. Disease mechanism: loss of function.

Submission:

Breast Care Center, Daerim St. Mary`s Hospital
Classification: Likely pathogenic for Hereditary breast and ovarian cancer syndrome. Last evaluated: 2025-02-04. Review status: criteria provided, single submitter. Criteria: ACMG Guidelines, 2015. Collection method: clinical testing. Allele origin: germline. Inheritance: Autosomal dominant inheritance. Affected: yes. Observed: 1 heterozygote.
Comment: This c.2663dupA (p.Asn888fs) variant is a null variant (frameshift) located in coding exon 11 of the BRCA2 gene. Loss of function is a well-established disease mechanism for this gene. This variant is not reported in the gnomAD genomes and exomes database. Based on the available evidence, this variant is classified as likely pathogenic.